The following is an entry in ClinVar:

NM_000400.4(ERCC2):c.1924G>C (p.Asp642His)

Gene: ERCC2 (ERCC excision repair 2, TFIIH core complex helicase subunit; minus strand). Cytogenetic location: 19q13.32.
Variant type: single nucleotide variant.
Coding change: c.1924G>C on transcript NM_000400.4 (MANE Select); coding-DNA position 1924, G replaced by C.
Protein change: p.Asp642His; replaces aspartic acid 642 with histidine.
Molecular consequence: missense variant.
Genome position (GRCh38, 1-based): chr19:45,352,628, C>G on the plus strand (G>C on the coding strand, the complement: ERCC2 is on the minus strand). VCF-style: chr19-45352628-C-G. GRCh37 (hg19) VCF-style: chr19-45855886-C-G.
Other names: short protein forms D642H.
Identifiers: ClinVar variation 1782751 (VCV001782751.2), dbSNP rs780605359, ClinGen allele CA406363540.

ClinVar aggregate classification (germline): Uncertain significance (1 of 4 stars; one submission).

Conditions:
Inborn genetic diseases. Identifiers: MedGen C0950123, MeSH D030342.

gnomAD v4.1: 3 of 1,613,910 alleles (0.00019%); highest among the groups gnomAD compares: South Asian, 0.0033%; 1 homozygote.

Submission:

Ambry Genetics
Classification: Uncertain significance for Inborn genetic diseases. Last evaluated: 2022-02-26. Review status: criteria provided, single submitter. Criteria: Ambry Variant Classification Scheme 2023. Collection method: clinical testing. Allele origin: germline.
Comment: The p.D642H variant (also known as c.1924G>C), located in coding exon 21 of the ERCC2 gene, results from a G to C substitution at nucleotide position 1924. The aspartic acid at codon 642 is replaced by histidine, an amino acid with similar properties. This amino acid position is conserved. In addition, this alteration is predicted to be deleterious by in silico analysis. Since supporting evidence is limited at this time, the clinical significance of this alteration remains unclear.